The following is an entry in ClinVar:

NM_001077350.3(NPRL3):c.1261_1281dup (p.Pro421_Asp427dup)

Genes: HBA-LCR (alpha-globin locus control region; plus strand), NPRL3 (NPR3 like, GATOR1 complex subunit; minus strand). Cytogenetic location: 16p13.3.
Variant type: Duplication.
Coding change: c.1261_1281dup on transcript NM_001077350.3 (MANE Select); coding-DNA positions 1261 to 1281, 21 bases duplicated (CCCCGTCCGCGAGAGGACGAC).
Protein change: p.Pro421_Asp427dup.
Molecular consequence: inframe insertion.
Genome position (GRCh38, 1-based): chr16:89,783-89,803, GTCGTCCTCTCGCGGACGGGG duplicated on the plus strand (CCCCGTCCGCGAGAGGACGAC on the coding strand, the reverse complement: NPRL3 is on the minus strand). VCF-style (leftmost placement, unchanged base first): chr16-89782-C-CGTCGTCCTCTCGCGGACGGGG. GRCh37 (hg19) VCF-style: chr16-139780-C-CGTCGTCCTCTCGCGGACGGGG.
Other names: c.724_744dup, p.Pro242_Asp248dup (NM_001039476.3); c.1027_1047dup, p.Pro343_Asp349dup (NM_001243247.2); c.1186_1206dup, p.Pro396_Asp402dup (NM_001243248.2, NM_001243249.2).
Identifiers: ClinVar variation 1351511 (VCV001351511.6), dbSNP rs2141902200, ClinGen allele CA2573151939.

ClinVar aggregate classification (germline): Uncertain significance (1 of 4 stars; one submission).

Conditions:
Epilepsy, familial focal, with variable foci 3 (FFEVF3). Identifiers: MedGen C4310708, MONDO:0014925, OMIM 617118.

Allele frequency attached by ClinVar (database versions not stated): gnomAD exomes below 0.00001.

Submission:

Labcorp Genetics (formerly Invitae), Labcorp
Classification: Uncertain significance for Epilepsy, familial focal, with variable foci 3. Last evaluated: 2021-10-21. Review status: criteria provided, single submitter. Criteria: Invitae Variant Classification Sherloc (09022015). Collection method: clinical testing. Allele origin: germline.
Comment: In summary, the available evidence is currently insufficient to determine the role of this variant in disease. Therefore, it has been classified as a Variant of Uncertain Significance. Experimental studies and prediction algorithms are not available or were not evaluated, and the functional significance of this variant is currently unknown. This variant has not been reported in the literature in individuals affected with NPRL3-related conditions. This variant is not present in population databases (gnomAD no frequency). This variant, c.1261_1281dup, results in the insertion of 7 amino acid(s) of the NPRL3 protein (p.Pro421_Asp427dup), but otherwise preserves the integrity of the reading frame.